The following is an entry in ClinVar:

NM_001684.5(ATP2B4):c.3158C>T (p.Ser1053Phe)

Gene: ATP2B4 (ATPase plasma membrane Ca2+ transporting 4; plus strand). Cytogenetic location: 1q32.1.
Variant type: single nucleotide variant.
Coding change: c.3158C>T on transcript NM_001684.5 (MANE Select); coding-DNA position 3158, C replaced by T.
Protein change: p.Ser1053Phe; replaces serine 1053 with phenylalanine.
Molecular consequence: missense variant.
Genome position (GRCh38, 1-based): chr1:203,727,420, C>T. VCF-style: chr1-203727420-C-T. GRCh37 (hg19) VCF-style: chr1-203696548-C-T.
Other names: c.3158C>T, p.Ser1053Phe (NM_001001396.3, NM_001365783.2, NM_001365784.2); short protein forms S1053F.
Identifiers: ClinVar variation 703803 (VCV000703803.37), dbSNP rs148156799, ClinGen allele CA1342071.

ClinVar aggregate classification (germline): Benign. Review status: criteria provided, multiple submitters, no conflicts (2 of 4 stars). 4 submissions from 4 submitters: Benign (3). 1 of the submissions does not count toward it. Last evaluated 2026-01-27.

Conditions:
ATP2B4-related disorder. Also called: ATP2B4-related condition.

Allele frequency attached by ClinVar (database versions not stated): 1000 Genomes Project 0.00379; 1000 Genomes Project 30x 0.00390; TOPMed 0.00794; ExAC 0.00814; gnomAD exomes 0.00822; gnomAD 0.00838 and 0.00862; ESP Exome Variant Server 0.01061.
gnomAD v4.1: 17,496 of 1,614,186 alleles (1.1%); highest among the groups gnomAD compares: Non-Finnish European, 1.3%; 135 homozygotes.

Submissions (4):

Labcorp Genetics (formerly Invitae), Labcorp
Classification: Benign. Last evaluated: 2026-01-27. Review status: criteria provided, single submitter. Criteria: Invitae Variant Classification Sherloc (09022015). Collection method: clinical testing. Allele origin: germline.

CeGaT Center for Human Genetics Tuebingen
Classification: Benign. Last evaluated: 2023-02-01. Review status: criteria provided, single submitter. Criteria: CeGaT Center For Human Genetics Tuebingen Variant Classification Criteria Version 2. Collection method: clinical testing. Allele origin: germline. Affected: yes. Observed: 8 variant alleles.
Comment: ATP2B4: BS1, BS2

Breakthrough Genomics
Classification: Benign. Review status: criteria provided, single submitter. Criteria: ACMG Guidelines, 2015. Collection method: not provided. Allele origin: germline. Inheritance: Unknown mechanism. Affected: yes.

PreventionGenetics, part of Exact Sciences
Classification: Benign for ATP2B4-related condition. Last evaluated: 2019-03-08. Review status: no assertion criteria provided. Collection method: clinical testing. Allele origin: germline. Not counted in ClinVar's aggregate classification.
Comment: This variant is classified as benign based on ACMG/AMP sequence variant interpretation guidelines (Richards et al. 2015 PMID: 25741868, with internal and published modifications).